The following is an entry in ClinVar:

NC_000007.13:g.(?_55086971)_(55273310_?)dup

Gene: EGFR (epidermal growth factor receptor; plus strand). Cytogenetic location: 7p11.2.
Variant type: Duplication.
Identifiers: ClinVar variation 1056193 (VCV001056193.2).

ClinVar aggregate classification (germline): Uncertain significance (1 of 4 stars; one submission).

Conditions:
EGFR-related lung cancer (EGFR). Identifiers: MedGen CN130014.

Submission:

Labcorp Genetics (formerly Invitae), Labcorp
Classification: Uncertain significance for EGFR-related lung cancer. Last evaluated: 2021-11-11. Review status: criteria provided, single submitter. Criteria: Invitae Variant Classification Sherloc (09022015). Collection method: clinical testing. Allele origin: germline.
Comment: A copy number gain of the genomic region encompassing the full coding sequence of the EGFR gene has been identified. The boundaries of this event are unknown as they extend beyond the assayed region for this gene and therefore may encompass additional genes. As the precise location of this event is unknown, it may be in tandem or it may be located elsewhere in the genome. This variant has not been reported in the literature in individuals affected with EGFR-related conditions. Experimental studies and prediction algorithms are not available or were not evaluated, and the functional significance of this variant is currently unknown. In summary, the available evidence is currently insufficient to determine the role of this variant in disease. Therefore, it has been classified as a Variant of Uncertain Significance.